The following is an entry in ClinVar:

NM_024422.6(DSC2):c.2094_2095dup (p.Ala699fs)

Gene: DSC2 (desmocollin 2; minus strand). Cytogenetic location: 18q12.1.
Variant type: Duplication.
Coding change: c.2094_2095dup on transcript NM_024422.6 (MANE Select); coding-DNA positions 2094 to 2095, 2 bases duplicated (TG; older notation c.2094_2095dupTG).
Protein change: p.Ala699fs; shifts the reading frame from alanine 699.
Molecular consequence: frameshift variant.
Genome position (GRCh38, 1-based): chr18:31,071,635-31,071,636, CA duplicated on the plus strand (TG on the coding strand, the reverse complement: DSC2 is on the minus strand). VCF-style (leftmost placement, unchanged base first): chr18-31071634-G-GCA. GRCh37 (hg19) VCF-style: chr18-28651600-G-GCA.
Other names: c.1665_1666dup, p.Ala556fs (NM_001406506.1, NM_001406507.1); c.2094_2095dup, p.Ala699fs (NM_004949.5); short protein forms A699fs, A556fs.
Identifiers: ClinVar variation 4824030 (VCV004824030.1).

ClinVar aggregate classification (germline): Pathogenic (1 of 4 stars; one submission).

Conditions:
Cardiovascular phenotype. Identifiers: MedGen CN230736.

Submission:

Ambry Genetics
Classification: Pathogenic for Cardiovascular phenotype. Last evaluated: 2026-01-28. Review status: criteria provided, single submitter. Criteria: Ambry Variant Classification Scheme 2023. Collection method: clinical testing. Allele origin: germline.
Comment: The c.2094_2095dupTG pathogenic mutation, located in coding exon 13 of the DSC2 gene, results from a duplication of TG at nucleotide position 2094, causing a translational frameshift with a predicted alternate stop codon (p.A699Vfs*7). This variant is considered to be rare based on population cohorts in the Genome Aggregation Database (gnomAD). This alteration is expected to result in loss of function by premature protein truncation or nonsense-mediated mRNA decay. As such, this alteration is interpreted as a disease-causing mutation.